The following is an entry in ClinVar:

NM_002439.5(MSH3):c.2866C>A (p.Leu956Met)

Gene: MSH3 (mutS homolog 3; plus strand). Cytogenetic location: 5q14.1.
Variant type: single nucleotide variant.
Coding change: c.2866C>A on transcript NM_002439.5 (MANE Select); coding-DNA position 2866, C replaced by A.
Protein change: p.Leu956Met; replaces leucine 956 with methionine.
Molecular consequence: missense variant.
Genome position (GRCh38, 1-based): chr5:80,854,182, C>A. VCF-style: chr5-80854182-C-A. GRCh37 (hg19) VCF-style: chr5-80150001-C-A.
Other names: short protein forms L956M.
Identifiers: ClinVar variation 4111091 (VCV004111091.1).
Genomic context (GRCh38, chr5:80,854,182, plus strand): 5'-GCTTGTAGGATGGGTGCTGCAGACAATATATATAAAGGACAGAGTACATTTATGGAAGAA[C>A]TGACTGACACAGCAGAAATAATCAGAAAAGCAACATCACAGTCCTTGGTTATCTTGGATG-3'
Protein context (NP_002430.3, residues 946-966): YKGQSTFMEE[Leu956Met]TDTAEIIRKA

ClinVar aggregate classification (germline): Uncertain significance (1 of 4 stars; one submission).

Conditions:
Hereditary cancer-predisposing syndrome. Also called: Tumor predisposition; Neoplastic Syndromes, Hereditary; Hereditary neoplastic syndrome; Hereditary Cancer Syndrome. Identifiers: Orphanet 140162, MedGen C0027672, MeSH D009386, MONDO:0015356.

Submission:

Ambry Genetics
Classification: Uncertain significance for Hereditary cancer-predisposing syndrome. Last evaluated: 2025-06-29. Review status: criteria provided, single submitter. Criteria: Ambry Variant Classification Scheme 2023. Collection method: clinical testing. Allele origin: germline.
Comment: The p.L956M variant (also known as c.2866C>A), located in coding exon 21 of the MSH3 gene, results from a C to A substitution at nucleotide position 2866. The leucine at codon 956 is replaced by methionine, an amino acid with highly similar properties. This amino acid position is conserved. In addition, the in silico prediction for this alteration is inconclusive. Based on the available evidence, the clinical significance of this variant remains unclear.